The following is an entry in ClinVar:

ClinVar aggregate classification (germline): Uncertain significance. Review status: criteria provided, multiple submitters, no conflicts (2 of 4 stars). 2 submissions from 2 submitters: Uncertain significance (2). Last evaluated 2024-07-12.

Submissions (2):

GeneDx
Classification: Uncertain significance. Last evaluated: 2024-07-12. Review status: criteria provided, single submitter. Criteria: GeneDx Variant Classification Process June 2021. Collection method: clinical testing. Allele origin: germline. Affected: yes.
Comment: Not observed at significant frequency in large population cohorts (gnomAD); In silico analysis indicates that this missense variant does not alter protein structure/function; Has not been previously published as pathogenic or benign to our knowledge

Women's Health and Genetics/Laboratory Corporation of America, LabCorp
Classification: Uncertain significance. Last evaluated: 2024-01-15. Review status: criteria provided, single submitter. Criteria: LabCorp Variant Classification Summary - May 2015. Collection method: clinical testing. Allele origin: germline.
Comment: Variant summary: TGFBR1 c.32G>A (p.Arg11Gln) results in a conservative amino acid change in the encoded protein sequence. Five of five in-silico tools predict a benign effect of the variant on protein function. The variant allele was found at a frequency of 1.1e-06 in 926002 control chromosomes (gnomAD v4.0). The available data on variant occurrences in the general population are insufficient to allow any conclusion about variant significance. To our knowledge, no occurrence of c.32G>A in individuals affected with Loeys-Dietz Syndrome and no experimental evidence demonstrating its impact on protein function have been reported. ClinVar contains an entry for this variant (Variation ID: 386598). Based on the evidence outlined above, the variant was classified as uncertain significance.

NM_004612.4(TGFBR1):c.32G>A (p.Arg11Gln)

Genes: TGFBR1 (transforming growth factor beta receptor 1; plus strand), LOC130002223 (ATAC-STARR-seq lymphoblastoid silent region 20124; plus strand). Cytogenetic location: 9q22.33.
Variant type: single nucleotide variant.
Coding change: c.32G>A on transcript NM_004612.4 (MANE Select); coding-DNA position 32, G replaced by A.
Protein change: p.Arg11Gln; replaces arginine 11 with glutamine.
Molecular consequence: missense variant.
Genome position (GRCh38, 1-based): chr9:99,105,237, G>A. VCF-style: chr9-99105237-G-A. GRCh37 (hg19) VCF-style: chr9-101867519-G-A.
Other names: c.32G>A, p.Arg11Gln (NM_001130916.3, NM_001306210.2); short protein forms R11Q.
Identifiers: ClinVar variation 386598 (VCV000386598.4), dbSNP rs886038980, ClinGen allele CA16605929.